The following is an entry in ClinVar:

NM_001256545.2(MEGF10):c.3025+253A>G

Gene: MEGF10 (multiple EGF like domains 10; plus strand). Cytogenetic location: 5q23.2.
Variant type: single nucleotide variant.
Coding change: c.3025+253A>G on transcript NM_001256545.2 (MANE Select); 253 bases into the intron after coding-DNA position 3025, A replaced by G.
Molecular consequence: intron variant.
Genome position (GRCh38, 1-based): chr5:127,454,863, A>G. VCF-style: chr5-127454863-A-G. GRCh37 (hg19) VCF-style: chr5-126790555-A-G.
Other names: c.3025+253A>G (NM_032446.3).
Identifiers: ClinVar variation 673638 (VCV000673638.1), dbSNP rs2270931, ClinGen allele CA126951764.

ClinVar aggregate classification (germline): Likely benign (1 of 4 stars; one submission).

Allele frequency attached by ClinVar (database versions not stated): gnomAD 0.03255 and 0.03312; 1000 Genomes Project 30x 0.03326; TOPMed 0.03426; 1000 Genomes Project 0.03494.
gnomAD v4.1: 4,932 of 152,286 alleles (3.2%); highest among the groups gnomAD compares: Middle Eastern, 5.1%; 82 homozygotes.

Submission:

GeneDx
Classification: Likely benign. Last evaluated: 2018-06-16. Review status: criteria provided, single submitter. Criteria: GeneDx Variant Classification (06012015). Collection method: clinical testing. Allele origin: germline. Affected: yes.
Comment: This variant is considered likely benign or benign based on one or more of the following criteria: it is a conservative change, it occurs at a poorly conserved position in the protein, it is predicted to be benign by multiple in silico algorithms, and/or has population frequency not consistent with disease.